The following is an entry in ClinVar:

NM_014797.3(ZBTB24):c.767G>A (p.Arg256Gln)

Gene: ZBTB24 (zinc finger and BTB domain containing 24; minus strand). Cytogenetic location: 6q21.
Variant type: single nucleotide variant.
Coding change: c.767G>A on transcript NM_014797.3 (MANE Select); coding-DNA position 767, G replaced by A.
Protein change: p.Arg256Gln; replaces arginine 256 with glutamine.
Molecular consequence: missense variant.
Genome position (GRCh38, 1-based): chr6:109,481,260, C>T on the plus strand (G>A on the coding strand, the complement: ZBTB24 is on the minus strand). VCF-style: chr6-109481260-C-T. GRCh37 (hg19) VCF-style: chr6-109802463-C-T.
Other names: c.767G>A, p.Arg256Gln (NM_001164313.2); short protein forms R256Q.
Identifiers: ClinVar variation 577750 (VCV000577750.7), dbSNP rs1023323966, ClinGen allele CA145110991.

ClinVar aggregate classification (germline): Uncertain significance. Review status: criteria provided, multiple submitters, no conflicts (2 of 4 stars). 2 submissions from 2 submitters: Uncertain significance (2). Last evaluated 2025-03-15.

Conditions:
Immunodeficiency-centromeric instability-facial anomalies syndrome 2 (ICF2). Identifiers: Orphanet 2268, MedGen C3279748, MONDO:0013553, OMIM 614069.
Inborn genetic diseases. Identifiers: MedGen C0950123, MeSH D030342.

Allele frequency attached by ClinVar (database versions not stated): gnomAD exomes below 0.00001 and 0.00001; gnomAD 0.00001.
gnomAD v4.1: 11 of 1,614,084 alleles (0.00068%); highest among the groups gnomAD compares: East Asian, 0.0045%; no homozygotes.

Submissions (2):

Ambry Genetics
Classification: Uncertain significance for Inborn genetic diseases. Last evaluated: 2025-03-15. Review status: criteria provided, single submitter. Criteria: Ambry Variant Classification Scheme 2023. Collection method: clinical testing. Allele origin: germline.

Labcorp Genetics (formerly Invitae), Labcorp
Classification: Uncertain significance for Immunodeficiency-centromeric instability-facial anomalies syndrome 2. Last evaluated: 2022-10-24. Review status: criteria provided, single submitter. Criteria: Invitae Variant Classification Sherloc (09022015). Collection method: clinical testing. Allele origin: germline.
Comment: This sequence change replaces arginine, which is basic and polar, with glutamine, which is neutral and polar, at codon 256 of the ZBTB24 protein (p.Arg256Gln). This variant is present in population databases (no rsID available, gnomAD 0.003%). This variant has not been reported in the literature in individuals affected with ZBTB24-related conditions. ClinVar contains an entry for this variant (Variation ID: 577750). Algorithms developed to predict the effect of missense changes on protein structure and function are either unavailable or do not agree on the potential impact of this missense change (SIFT: "Not Available"; PolyPhen-2: "Probably Damaging"; Align-GVGD: "Not Available"). In summary, the available evidence is currently insufficient to determine the role of this variant in disease. Therefore, it has been classified as a Variant of Uncertain Significance.